The following is an entry in ClinVar:

NM_139058.3(ARX):c.179C>A (p.Pro60Gln)

Gene: ARX (aristaless related homeobox; minus strand). Cytogenetic location: Xp21.3.
Variant type: single nucleotide variant.
Coding change: c.179C>A on transcript NM_139058.3 (MANE Select); coding-DNA position 179, C replaced by A.
Protein change: p.Pro60Gln; replaces proline 60 with glutamine.
Molecular consequence: missense variant.
Genome position (GRCh38, 1-based): chrX:25,015,559, G>T on the plus strand (C>A on the coding strand, the complement: ARX is on the minus strand). VCF-style: chrX-25015559-G-T. GRCh37 (hg19) VCF-style: chrX-25033676-G-T.
Other names: short protein forms P60Q.
Identifiers: ClinVar variation 4788660 (VCV004788660.1).

ClinVar aggregate classification (germline): Uncertain significance (1 of 4 stars; one submission).

Conditions:
Intellectual disability, X-linked, with or without seizures, ARX-related. Also called: MENTAL RETARDATION, X-LINKED 29; MENTAL RETARDATION, X-LINKED 32; MENTAL RETARDATION, X-LINKED 33; MENTAL RETARDATION, X-LINKED 38; MENTAL RETARDATION, X-LINKED 43; MENTAL RETARDATION, X-LINKED 76. Identifiers: Orphanet 777, MedGen C0796244, MONDO:0010317, OMIM 300419.
Developmental and epileptic encephalopathy, 1 (DEE1). Also called: X-linked infantile spasms; West's syndrome; Tonic spasms with clustering, arrest of psychomotor development and hypsarrhythmia on EEG; X-Linked Infantile Spasm Syndrome; OHTAHARA SYNDROME, X-LINKED; Epileptic encephalopathy, early infantile, 1. Identifiers: MedGen C3463992, MONDO:0010632, OMIM 308350. Disease mechanism: loss of function.

Submission:

Labcorp Genetics (formerly Invitae), Labcorp
Classification: Uncertain significance for Developmental and epileptic encephalopathy, 1; Intellectual disability, X-linked, with or without seizures, ARX-related. Last evaluated: 2025-06-04. Review status: criteria provided, single submitter. Criteria: Invitae Variant Classification Sherloc (09022015). Collection method: clinical testing. Allele origin: germline.
Comment: This sequence change replaces proline, which is neutral and non-polar, with glutamine, which is neutral and polar, at codon 60 of the ARX protein (p.Pro60Gln). This variant is not present in population databases (gnomAD no frequency). This variant has not been reported in the literature in individuals affected with ARX-related conditions. Invitae Evidence Modeling of protein sequence and biophysical properties (such as structural, functional, and spatial information, amino acid conservation, physicochemical variation, residue mobility, and thermodynamic stability) indicates that this missense variant is not expected to disrupt ARX protein function with a negative predictive value of 95%. In summary, the available evidence is currently insufficient to determine the role of this variant in disease. Therefore, it has been classified as a Variant of Uncertain Significance.